The following is an entry in ClinVar:

ClinVar aggregate classification (germline): Pathogenic (1 of 4 stars; one submission).

Submission:

GeneDx
Classification: Pathogenic. Last evaluated: 2013-12-06. Review status: criteria provided, single submitter. Criteria: GeneDx Variant Classification (06012015). Collection method: clinical testing. Allele origin: germline. Affected: yes.
Comment: Although the c.1319dupC variant in the KCNH2 gene has not been reported to our knowledge, this variant causes a shift in reading frame starting at codon Proline 441, changing it to an Alanine, and creating a premature stop codon at position 78 of the new reading frame, denoted p.Pro441AlafsX78. This variant is expected to result in either an abnormal, truncated protein product or loss of protein from this allele through nonsense-mediated mRNA decay. Other frameshift variants in the KCNH2 gene have been reported in association with LQTS. In summary, c.1319dupC in the KCNH2 gene is interpreted as a pathogenic variant.

NM_000238.4(KCNH2):c.1319dup (p.Pro441fs)

Gene: KCNH2 (potassium voltage-gated channel subfamily H member 2; minus strand). Cytogenetic location: 7q36.1.
Variant type: Duplication.
Coding change: c.1319dup on transcript NM_000238.4 (MANE Select); coding-DNA position 1319, one base duplicated (C; older notation c.1319dupC).
Protein change: p.Pro441fs; shifts the reading frame from proline 441.
Molecular consequence: frameshift variant.
Genome position (GRCh38, 1-based): chr7:150,952,663, G duplicated on the plus strand (C on the coding strand, the reverse complement: KCNH2 is on the minus strand); the first of 3 consecutive G bases (chr7:150,952,663-150,952,665); duplicating any one gives the same sequence. VCF-style (leftmost placement, unchanged base first): chr7-150952662-C-CG. GRCh37 (hg19) VCF-style: chr7-150649750-C-CG.
Other names: c.299dup, p.Pro101fs (NM_001204798.2, NM_172057.3); c.1029dup, p.Pro345Alafs (NM_001406753.1, NM_001406756.1); c.1140dup, p.Pro382Alafs (NM_001406755.1); c.1017dup, p.Pro341Alafs (NM_001406757.1); c.1317dup, p.Pro441Alafs (NM_172056.3); short protein forms P101fs, P441fs.
Identifiers: ClinVar variation 200634 (VCV000200634.4), dbSNP rs794728436, ClinGen allele CA305307.
Genomic context (GRCh38, chr7:150,952,662, plus strand): 5'-GTCCACGATGAGGTCCACCACAGCCAGCGGCTGGCAGGCGTAGCCACACTCGGTAGCAGG[C>CG]GGGCCTTCTTCCGTCTCCTTCAGCAGGAAGGCAGCCGAGTAGGGTGTGAAGACAGCCGTG-3'